The following is an entry in ClinVar:

NM_000529.2(MC2R):c.*1920T>A

Gene: MC2R (melanocortin 2 receptor; minus strand). Cytogenetic location: 18p11.21.
Variant type: single nucleotide variant.
Coding change: c.*1920T>A on transcript NM_000529.2 (MANE Select); 1920 bases downstream of the stop codon, T replaced by A.
Molecular consequence: 3 prime UTR variant.
Genome position (GRCh38, 1-based): chr18:13,882,705, A>T on the plus strand (T>A on the coding strand, the complement: MC2R is on the minus strand). VCF-style: chr18-13882705-A-T. GRCh37 (hg19) VCF-style: chr18-13882704-A-T.
Other names: c.*1920T>A (NM_001291911.1).
Identifiers: ClinVar variation 326131 (VCV000326131.5), dbSNP rs28926189, ClinGen allele CA10651374.

ClinVar aggregate classification (germline): Benign (1 of 4 stars; one submission).

Conditions:
Glucocorticoid deficiency 1 (GCCD1). Also called: FAMILIAL GLUCOCORTICOID DEFICIENCY 1; Adrenal unresponsiveness to acth; Glucocorticoid deficiency, due to ACTH unresponsiveness. Identifiers: Orphanet 361, MedGen C4049650, MONDO:0024536, OMIM 202200.

Allele frequency attached by ClinVar (database versions not stated): TOPMed 0.01388; 1000 Genomes Project 0.01458; 1000 Genomes Project 30x 0.01655.

Submission:

Illumina Laboratory Services, Illumina
Classification: Benign for Glucocorticoid deficiency 1. Last evaluated: 2018-01-13. Review status: criteria provided, single submitter. Criteria: ICSL Variant Classification Criteria 13 December 2019. Collection method: clinical testing. Allele origin: germline.
Comment: This variant was observed in the ICSL laboratory as part of a predisposition screen in an ostensibly healthy population. It had not been previously curated by ICSL or reported in the Human Gene Mutation Database (HGMD: prior to June 1st, 2018), and was therefore a candidate for classification through an automated scoring system. Utilizing variant allele frequency, disease prevalence and penetrance estimates, and inheritance mode, an automated score was calculated to assess if this variant is too frequent to cause the disease. Based on the score and internal cut-off values, a variant classified as benign is not then subjected to further curation. The score for this variant resulted in a classification of benign for this disease.